The following is an entry in ClinVar:

ClinVar aggregate classification (germline): Benign (0 of 4 stars; one submission).

Conditions:
DVL2-related disorder. Also called: DVL2-related condition.

Allele frequency attached by ClinVar (database versions not stated): gnomAD exomes 0.00767; ExAC 0.02247; gnomAD 0.06550; TOPMed 0.07367; ESP Exome Variant Server 0.07435; 1000 Genomes Project 0.07508; 1000 Genomes Project 30x 0.07714.
gnomAD v4.1: 21,794 of 1,613,966 alleles (1.4%); highest among the groups gnomAD compares: African/African-American, 22%; 2,037 homozygotes.

Submission:

PreventionGenetics, part of Exact Sciences
Classification: Benign for DVL2-related condition. Last evaluated: 2019-03-08. Review status: no assertion criteria provided. Collection method: clinical testing. Allele origin: germline.
Comment: This variant is classified as benign based on ACMG/AMP sequence variant interpretation guidelines (Richards et al. 2015 PMID: 25741868, with internal and published modifications).

NM_004422.3(DVL2):c.410+10T>C

Genes: DVL2 (dishevelled segment polarity protein 2; minus strand), LOC126862480 (CDK7 strongly-dependent group 2 enhancer GRCh37_chr17:7132793-7133992; plus strand). Cytogenetic location: 17p13.1.
Variant type: single nucleotide variant.
Coding change: c.410+10T>C on transcript NM_004422.3 (MANE Select); 10 bases into the intron after coding-DNA position 410, T replaced by C.
Molecular consequence: intron variant.
Genome position (GRCh38, 1-based): chr17:7,230,275, A>G on the plus strand (T>C on the coding strand, the complement: DVL2 is on the minus strand). VCF-style: chr17-7230275-A-G. GRCh37 (hg19) VCF-style: chr17-7133594-A-G.
Identifiers: ClinVar variation 3056184 (VCV003056184.2), dbSNP rs62059165, ClinGen allele CA8338988.